The following is an entry in ClinVar:

NM_000256.3(MYBPC3):c.1132G>C (p.Gly378Arg)

Gene: MYBPC3 (myosin binding protein C3; minus strand). Cytogenetic location: 11p11.2.
Variant type: single nucleotide variant.
Coding change: c.1132G>C on transcript NM_000256.3 (MANE Select); coding-DNA position 1132, G replaced by C.
Protein change: p.Gly378Arg; replaces glycine 378 with arginine.
Molecular consequence: missense variant.
Genome position (GRCh38, 1-based): chr11:47,343,583, C>G on the plus strand (G>C on the coding strand, the complement: MYBPC3 is on the minus strand). VCF-style: chr11-47343583-C-G. GRCh37 (hg19) VCF-style: chr11-47365134-C-G.
Other names: short protein forms G378R.
Identifiers: ClinVar variation 3387136 (VCV003387136.1).
Genomic context (GRCh38, chr11:47,343,583, plus strand): 5'-TGAGCCATTTGACCTCAGCGTCATGGTCAGCCAGTTCCACGGTCAGCCGGATCTTGTGGC[C>G]TTTGCTCACCTGGTAGGCCGGCTCCAGCTTCTTCTGAAAGGCTGAGCACCACCCCTCAGC-3'
Protein context (NP_000247.2, residues 368-388): KLEPAYQVSK[Gly378Arg]HKIRLTVELA

ClinVar aggregate classification (germline): Uncertain significance (1 of 4 stars; one submission).

Conditions:
Hypertrophic cardiomyopathy. Also called: HYPERTROPHIC MYOCARDIOPATHY. Identifiers: Orphanet 217569, MedGen C0007194, MeSH D002312, MONDO:0005045, HP:0001639.

Submission:

All of Us Research Program, National Institutes of Health
Classification: Uncertain significance for Hypertrophic cardiomyopathy. Last evaluated: 2024-03-05. Review status: criteria provided, single submitter. Criteria: ACMG Guidelines, 2015. Collection method: clinical testing. Allele origin: germline. Inheritance: Autosomal dominant inheritance. Observed: 1 variant allele, 1 heterozygote.
Comment: This study involves interpretation of variants in research participants for the purpose of population health screening. Participant phenotype was not available at the time of variant classification. Additional details can be found in publication PMID: 35346344, PMCID: PMC8962531